The following is an entry in ClinVar:

ClinVar aggregate classification (germline): Uncertain significance (1 of 4 stars; one submission).

Submission:

Labcorp Genetics (formerly Invitae), Labcorp
Classification: Uncertain significance. Last evaluated: 2020-10-03. Review status: criteria provided, single submitter. Criteria: Invitae Variant Classification Sherloc (09022015). Collection method: clinical testing. Allele origin: germline.
Comment: This variant is not present in population databases (ExAC no frequency). This variant has not been reported in the literature in individuals with RSPRY1-related conditions. Nucleotide substitutions within the consensus splice site are a relatively common cause of aberrant splicing (PMID: 17576681, 9536098). Algorithms developed to predict the effect of sequence changes on RNA splicing suggest that this variant may disrupt the consensus splice site, but this prediction has not been confirmed by published transcriptional studies. In summary, the available evidence is currently insufficient to determine the role of this variant in disease. Therefore, it has been classified as a Variant of Uncertain Significance. This sequence change falls in intron 8 of the RSPRY1 gene. It does not directly change the encoded amino acid sequence of the RSPRY1 protein, but it affects a nucleotide within the consensus splice site of the intron.

Literature cited by the submitters: PubMed 17576681; PubMed 9536098.

NM_133368.3(RSPRY1):c.901+5G>A

Gene: RSPRY1 (ring finger and SPRY domain containing 1; plus strand). Cytogenetic location: 16q13.
Variant type: single nucleotide variant.
Coding change: c.901+5G>A on transcript NM_133368.3 (MANE Select); 5 bases into the intron after coding-DNA position 901, G replaced by A.
Molecular consequence: intron variant.
Genome position (GRCh38, 1-based): chr16:57,217,040, G>A. VCF-style: chr16-57217040-G-A. GRCh37 (hg19) VCF-style: chr16-57250952-G-A.
Other names: c.901+5G>A (NM_001305163.2, NM_001305164.2).
Identifiers: ClinVar variation 1022591 (VCV001022591.6), dbSNP rs2074952993, ClinGen allele CA2224507924.
Genomic context (GRCh38, chr16:57,217,040, plus strand): 5'-TGATTATCTGAAACGTCAAGTTGGTTTCTGTGCCCAGTGGAGCTTAGACAATCTCTGTAA[G>A]TGGGAGTTGTCCTTTATTAAAATGTCCGTTTCCATTTCCAGACTCATTTCTTTCATAGGC-3'